The following is an entry in ClinVar:

NM_001376.5(DYNC1H1):c.3185A>C (p.Asp1062Ala)

Gene: DYNC1H1 (dynein cytoplasmic 1 heavy chain 1; plus strand). Cytogenetic location: 14q32.31.
Variant type: single nucleotide variant.
Coding change: c.3185A>C on transcript NM_001376.5 (MANE Select); coding-DNA position 3185, A replaced by C.
Protein change: p.Asp1062Ala; replaces aspartic acid 1062 with alanine.
Molecular consequence: missense variant.
Genome position (GRCh38, 1-based): chr14:101,994,701, A>C. VCF-style: chr14-101994701-A-C. GRCh37 (hg19) VCF-style: chr14-102461038-A-C.
Other names: short protein forms D1062A.
Identifiers: ClinVar variation 2027827 (VCV002027827.4), dbSNP rs1429535306, ClinGen allele CA391032843.
Genomic context (GRCh38, chr14:101,994,701, plus strand): 5'-AACTATTATTTAACTGTGTTCTTCATTTGCAGGTTTGGCTTCAGTATCAGTGTTTATGGG[A>C]TATGCAAGCTGAAAACATCTATAACAGACTTGGAGAAGATCTCAACAAATGGCAGGCTCT-3'
Protein context (NP_001367.2, residues 1052-1072): KVWLQYQCLW[Asp1062Ala]MQAENIYNRL

ClinVar aggregate classification (germline): Pathogenic (1 of 4 stars; one submission).

Conditions:
Charcot-Marie-Tooth disease axonal type 2O. Also called: CHARCOT-MARIE-TOOTH NEUROPATHY, AXONAL, TYPE 2O; CHARCOT-MARIE-TOOTH DISEASE, AXONAL, AUTOSOMAL DOMINANT, TYPE 2O; Charcot-Marie-Tooth disease, axonal, type 20; Charcot-Marie-Tooth Neuropathy Type 2O. Identifiers: Orphanet 284232, MedGen C3280220, MONDO:0013644, OMIM 614228.

Submission:

Labcorp Genetics (formerly Invitae), Labcorp
Classification: Pathogenic for Charcot-Marie-Tooth disease axonal type 2O. Last evaluated: 2022-08-30. Review status: criteria provided, single submitter. Criteria: Invitae Variant Classification Sherloc (09022015). Collection method: clinical testing. Allele origin: germline.
Comment: For these reasons, this variant has been classified as Pathogenic. This variant disrupts the p.Asp1062 amino acid residue in DYNC1H1. Other variant(s) that disrupt this residue have been determined to be pathogenic (PMID: 26100331). This suggests that this residue is clinically significant, and that variants that disrupt this residue are likely to be disease-causing. Advanced modeling of protein sequence and biophysical properties (such as structural, functional, and spatial information, amino acid conservation, physicochemical variation, residue mobility, and thermodynamic stability) performed at Invitae indicates that this missense variant is expected to disrupt DYNC1H1 protein function. This missense change has been observed in individual(s) with clinical features of DYNC1H1-related conditions (Invitae). In at least one individual the variant was observed to be de novo. This variant is not present in population databases (gnomAD no frequency). This sequence change replaces aspartic acid, which is acidic and polar, with alanine, which is neutral and non-polar, at codon 1062 of the DYNC1H1 protein (p.Asp1062Ala).

Literature cited by the submitters: PubMed 26100331.